The following is an entry in ClinVar:

ClinVar aggregate classification (germline): Benign. Review status: criteria provided, multiple submitters, no conflicts (2 of 4 stars). 2 submissions from 2 submitters: Benign (2). Last evaluated 2018-06-16.

Allele frequency attached by ClinVar (database versions not stated): TOPMed 0.06086; 1000 Genomes Project 30x 0.06387; gnomAD exomes 0.02139; gnomAD 0.05760 and 0.06015; 1000 Genomes Project 0.06050.
gnomAD v4.1: 39,234 of 1,569,924 alleles (2.5%); highest among the groups gnomAD compares: African/African-American, 16%; 1,360 homozygotes.

Submissions (2):

GeneDx
Classification: Benign. Last evaluated: 2018-06-16. Review status: criteria provided, single submitter. Criteria: GeneDx Variant Classification (06012015). Collection method: clinical testing. Allele origin: germline. Affected: yes.
Comment: This variant is considered likely benign or benign based on one or more of the following criteria: it is a conservative change, it occurs at a poorly conserved position in the protein, it is predicted to be benign by multiple in silico algorithms, and/or has population frequency not consistent with disease.

Breakthrough Genomics
Classification: Benign. Review status: criteria provided, single submitter. Criteria: ACMG Guidelines, 2015. Collection method: not provided. Allele origin: germline. Inheritance: Autosomal recessive inheritance. Affected: yes.

NM_133642.5(LARGE1):c.1730+67A>G

Gene: LARGE1 (LARGE xylosyl- and glucuronyltransferase 1; minus strand). Cytogenetic location: 22q12.3.
Variant type: single nucleotide variant.
Coding change: c.1730+67A>G on transcript NM_133642.5 (MANE Select); 67 bases into the intron after coding-DNA position 1730, A replaced by G.
Molecular consequence: intron variant.
Genome position (GRCh38, 1-based): chr22:33,304,162, T>C on the plus strand (A>G on the coding strand, the complement: LARGE1 is on the minus strand). VCF-style: chr22-33304162-T-C. GRCh37 (hg19) VCF-style: chr22-33700148-T-C.
Other names: c.1730+67A>G (NM_001362953.2, NM_001362949.2, NM_001378627.1 and 6 more transcripts); c.1574+67A>G (NM_001378629.1); c.971+67A>G (NM_001378631.1); c.1127+67A>G (NM_001378630.1).
Identifiers: ClinVar variation 683056 (VCV000683056.2), dbSNP rs78116727, ClinGen allele CA323711537.